The following is an entry in ClinVar:

NM_001379200.1(TBX1):c.259G>T (p.Ala87Ser)

Gene: TBX1 (T-box transcription factor 1; plus strand). Cytogenetic location: 22q11.21.
Variant type: single nucleotide variant.
Coding change: c.259G>T on transcript NM_001379200.1 (MANE Select); coding-DNA position 259, G replaced by T.
Protein change: p.Ala87Ser; replaces alanine 87 with serine.
Molecular consequence: missense variant.
Genome position (GRCh38, 1-based): chr22:19,761,102, G>T. VCF-style: chr22-19761102-G-T. GRCh37 (hg19) VCF-style: chr22-19748625-G-T.
Other names: c.232G>T, p.Ala78Ser (NM_005992.1, NM_080646.2, NM_080647.1); short protein forms A78S, A87S.
Identifiers: ClinVar variation 2079593 (VCV002079593.4), dbSNP rs2517842370, ClinGen allele CA410681480.

ClinVar aggregate classification (germline): Uncertain significance (1 of 4 stars; one submission).

Conditions:
DiGeorge syndrome. Also called: Catch22; THIRD AND FOURTH PHARYNGEAL POUCH SYNDROME. Identifiers: Orphanet 567, MedGen C0012236, MONDO:0008564, OMIM 188400.

Allele frequency attached by ClinVar (database versions not stated): gnomAD exomes below 0.00001.
gnomAD v4.1: 1 of 1,164,944 alleles (0.000086%); highest among the groups gnomAD compares: East Asian, 0.0044%; no homozygotes.

Submission:

Labcorp Genetics (formerly Invitae), Labcorp
Classification: Uncertain significance for DiGeorge syndrome. Last evaluated: 2022-04-11. Review status: criteria provided, single submitter. Criteria: Invitae Variant Classification Sherloc (09022015). Collection method: clinical testing. Allele origin: germline.
Comment: This sequence change replaces alanine, which is neutral and non-polar, with serine, which is neutral and polar, at codon 78 of the TBX1 protein (p.Ala78Ser). This variant is not present in population databases (gnomAD no frequency). This variant has not been reported in the literature in individuals affected with TBX1-related conditions. Algorithms developed to predict the effect of missense changes on protein structure and function are either unavailable or do not agree on the potential impact of this missense change (SIFT: "Tolerated"; PolyPhen-2: "Not Available"; Align-GVGD: "Class C0"). In summary, the available evidence is currently insufficient to determine the role of this variant in disease. Therefore, it has been classified as a Variant of Uncertain Significance.